The following is an entry in ClinVar:

NM_000836.4(GRIN2D):c.3756G>C (p.Arg1252Ser)

Gene: GRIN2D (glutamate ionotropic receptor NMDA type subunit 2D; plus strand). Cytogenetic location: 19q13.33.
Variant type: single nucleotide variant.
Coding change: c.3756G>C on transcript NM_000836.4 (MANE Select); coding-DNA position 3756, G replaced by C.
Protein change: p.Arg1252Ser; replaces arginine 1252 with serine.
Molecular consequence: missense variant.
Genome position (GRCh38, 1-based): chr19:48,443,682, G>C. VCF-style: chr19-48443682-G-C. GRCh37 (hg19) VCF-style: chr19-48946939-G-C.
Other names: short protein forms R1252S.
Identifiers: ClinVar variation 1705198 (VCV001705198.2), dbSNP rs1439855400, ClinGen allele CA406678048.

ClinVar aggregate classification (germline): Uncertain significance (1 of 4 stars; one submission).

Submission:

Women's Health and Genetics/Laboratory Corporation of America, LabCorp
Classification: Uncertain significance. Last evaluated: 2026-03-17. Review status: criteria provided, single submitter. Criteria: LabCorp Variant Classification Summary - May 2015. Collection method: clinical testing. Allele origin: germline.
Comment: Variant summary: GRIN2D c.3756G>C (p.Arg1252Ser) results in a non-conservative amino acid change in the encoded protein sequence. Algorithms developed to predict the effect of missense changes on protein structure and function are either unavailable or do not agree on the potential impact of this missense change. The frequency data for this variant in gnomAD is considered unreliable, as metrics indicate poor data quality at this position. To our knowledge, no occurrence of c.3756G>C in individuals affected with GRIN2D-related conditions and no experimental evidence demonstrating its impact on protein function have been reported. ClinVar contains an entry for this variant (Variation ID: 1705198). Based on the evidence outlined above, the variant was classified as uncertain significance.